The following is an entry in ClinVar:

ClinVar aggregate classification (germline): Uncertain significance. Review status: criteria provided, multiple submitters, no conflicts (2 of 4 stars). 2 submissions from 2 submitters: Uncertain significance (2). Last evaluated 2025-09-03.

Conditions:
Glycogen storage disease type III (GSD3). Also called: FORBES DISEASE; Cori disease. Identifiers: Orphanet 366, MedGen C0017922, MONDO:0009291, OMIM 232400.

gnomAD v4.1: 7 of 1,613,236 alleles (0.00043%); highest among the groups gnomAD compares: Non-Finnish European, 0.00059%; no homozygotes.

Submissions (2):

Labcorp Genetics (formerly Invitae), Labcorp
Classification: Uncertain significance for Glycogen storage disease type III. Last evaluated: 2025-09-03. Review status: criteria provided, single submitter. Criteria: Invitae Variant Classification Sherloc (09022015). Collection method: clinical testing. Allele origin: germline.
Comment: This sequence change replaces proline, which is neutral and non-polar, with leucine, which is neutral and non-polar, at codon 1411 of the AGL protein (p.Pro1411Leu). This variant is not present in population databases (gnomAD no frequency). This variant has not been reported in the literature in individuals affected with AGL-related conditions. ClinVar contains an entry for this variant (Variation ID: 875995). Invitae Evidence Modeling of protein sequence and biophysical properties (such as structural, functional, and spatial information, amino acid conservation, physicochemical variation, residue mobility, and thermodynamic stability) indicates that this missense variant is not expected to disrupt AGL protein function with a negative predictive value of 80%. In summary, the available evidence is currently insufficient to determine the role of this variant in disease. Therefore, it has been classified as a Variant of Uncertain Significance.

Illumina Laboratory Services, Illumina
Classification: Uncertain significance for Glycogen storage disease type III. Last evaluated: 2018-01-12. Review status: criteria provided, single submitter. Criteria: ICSL Variant Classification Criteria 13 December 2019. Collection method: clinical testing. Allele origin: germline.

NM_000642.3(AGL):c.4232C>T (p.Pro1411Leu)

Gene: AGL (amylo-alpha-1,6-glucosidase and 4-alpha-glucanotransferase; plus strand). Cytogenetic location: 1p21.2.
Variant type: single nucleotide variant.
Coding change: c.4232C>T on transcript NM_000642.3 (MANE Select); coding-DNA position 4232, C replaced by T.
Protein change: p.Pro1411Leu; replaces proline 1411 with leucine.
Molecular consequence: missense variant.
Genome position (GRCh38, 1-based): chr1:99,915,459, C>T. VCF-style: chr1-99915459-C-T. GRCh37 (hg19) VCF-style: chr1-100381015-C-T.
Other names: c.4232C>T, p.Pro1411Leu (NM_000028.3, NM_000643.3, NM_000644.3 and 1 more transcripts); c.4184C>T, p.Pro1395Leu (NM_000646.3); c.4211C>T, p.Pro1404Leu (NM_001425326.1); c.4031C>T, p.Pro1344Leu (NM_001425327.1); c.4028C>T, p.Pro1343Leu (NM_001425328.1); c.3893C>T, p.Pro1298Leu (NM_001425329.1); c.3854C>T, p.Pro1285Leu (NM_001425332.1); short protein forms P1395L, P1411L, P1285L, P1298L, P1343L, P1344L, P1404L.
Identifiers: ClinVar variation 875995 (VCV000875995.6), dbSNP rs1655046172, ClinGen allele CA341341356.
Genomic context (GRCh38, chr1:99,915,459, plus strand): 5'-TCTTTACTACAGAAAAAGCATGGAAAGCTTTGGAGATTGCAGAAAAAAAATTGCTTGGTC[C>T]CCTTGGCATGAAAACTTTAGATCCAGAGTAAGTTGGAATATAAGTATTAAGAATGTTATC-3'
Protein context (NP_000633.2, residues 1401-1421): LEIAEKKLLG[Pro1411Leu]LGMKTLDPDD